The following is an entry in ClinVar:

NM_001267550.2(TTN):c.52771del (p.Glu17591fs)

Genes: TTN (titin; minus strand), TTN-AS1 (TTN antisense RNA 1; plus strand), LOC126806425 (BRD4-independent group 4 enhancer GRCh37_chr2:179471933-179473132; plus strand). Cytogenetic location: 2q31.2.
Variant type: Deletion.
Coding change: c.52771del on transcript NM_001267550.2 (MANE Select); coding-DNA position 52771, one base deleted (G; older notation c.52771delG).
Protein change: p.Glu17591fs; shifts the reading frame from glutamic acid 17591.
Molecular consequence: frameshift variant.
Genome position (GRCh38, 1-based): chr2:178,608,016, C deleted on the plus strand (G on the coding strand, the reverse complement: TTN is on the minus strand); the first of 3 consecutive C bases (chr2:178,608,016-178,608,018); deleting any one gives the same sequence. VCF-style (leftmost placement, unchanged base first): chr2-178608015-TC-T. GRCh37 (hg19) VCF-style: chr2-179472742-TC-T.
Other names: c.47848del, p.Glu15950fs (NM_001256850.1); c.25576del, p.Glu8526fs (NM_003319.4); c.45067del, p.Glu15023fs (NM_133378.4); c.25951del, p.Glu8651fs (NM_133432.3); c.26152del, p.Glu8718fs (NM_133437.4); c.52771delG (NM_001267550.2); short protein forms E15023fs, E15950fs, E17591fs, E8526fs, E8651fs, E8718fs.
Identifiers: ClinVar variation 4852810 (VCV004852810.1).

ClinVar aggregate classification (germline): Likely pathogenic (1 of 4 stars; one submission).

Conditions:
Dilated cardiomyopathy 1G (CMD1G). Identifiers: Orphanet 154, MedGen C1858763, MONDO:0011400, OMIM 604145.

Submission:

Clinical Genomics Laboratory, Stanford Medicine
Classification: Likely pathogenic for Dilated cardiomyopathy 1G. Last evaluated: 2022-05-20. Review status: criteria provided, single submitter. Criteria: ACMG Guidelines, 2015. Collection method: clinical testing. Allele origin: germline. Inheritance: Autosomal dominant inheritance. Affected: yes. Observed: 1 variant allele, 1 heterozygote.
Comment: The p.Glu17591Asnfs*33 variant in the TTN gene has not been previously reported in association with disease. This variant was absent from large population databases, including the Genome Aggregation Database. This variant results in a 1bp deletion, which causes a shift in the protein reading frame, leading to a premature termination codon 33 amino acids downstream. This variant leads to a premature stop codon in exon 276 of 363 exons, and is therefore predicted to undergo nonsense-mediated decay resulting in a truncated or absent protein. The p.Glu17591Asnfs*33 variant is located in the A-band of the titin protein. Loss-of-function variants in the A-band have an established association with dilated cardiomyopathy (PMID: 32160020). These data were assessed using the ACMG/AMP variant interpretation guidelines. In summary, there is sufficient evidence to classify the p.Glu17591Asnfs*33 variant as likely pathogenic for dilated cardiomyopathy in an autosomal dominant manner based on the information above. [ACMG evidence codes used: PVS1_Strong; PM2]

Literature cited by the submitters: PubMed 32160020.